The following is an entry in ClinVar:

NM_001011.4(RPS7):c.357-3dup

Gene: RPS7 (ribosomal protein S7; plus strand). Cytogenetic location: 2p25.3.
Variant type: Duplication.
Coding change: c.357-3dup on transcript NM_001011.4 (MANE Select); 3 bases into the intron before coding-DNA position 357, one base duplicated (T; older notation c.357-3dupT).
Molecular consequence: intron variant.
Genome position (GRCh38, 1-based): chr2:3,580,107, T duplicated; the last of 4 consecutive T bases (chr2:3,580,104-3,580,107); duplicating any one gives the same sequence. VCF-style (leftmost placement, unchanged base first): chr2-3580103-C-CT. GRCh37 (hg19) VCF-style: chr2-3627693-C-CT.
Other names: c.357-3dupT (NM_001011.3).
Identifiers: ClinVar variation 469408 (VCV000469408.20), dbSNP rs140914434, ClinGen allele CA1516683.
Genomic context (GRCh38, chr2:3,580,103, plus strand): 5'-GTGCCCTCTGGAGTTGCCCAGAGGGCAGGCGTTGCTAGGTTGCTTACCTTTTAAACTATT[C>CT]TTTTAGCCGTACTCTGACAGCTGTGCACGATGCCATCCTTGAGGACTTGGTCTTCCCAAG-3'

ClinVar aggregate classification (germline): Conflicting classifications of pathogenicity. Review status: criteria provided, conflicting classifications (1 of 4 stars). 4 submissions from 4 submitters: Uncertain significance (1); Benign (3). Last evaluated 2026-01-18.

Conditions:
Diamond-Blackfan anemia. Also called: Blackfan Diamond syndrome; Aregenerative anemia chronic congenital; Red cell aplasia, pure hereditary; Congenital hypoplastic anemia; Aase syndrome. Identifiers: Orphanet 124, MedGen C1260899, MeSH D029503, MONDO:0015253, HP:0004810.
Diamond-Blackfan anemia 8 (DBA8). Also called: RPS7-Related Diamond-Blackfan Anemia. Identifiers: Orphanet 124, MedGen C2675511, MONDO:0012939, OMIM 612563.

Submissions (4):

Labcorp Genetics (formerly Invitae), Labcorp
Classification: Benign for Diamond-Blackfan anemia 8. Last evaluated: 2026-01-18. Review status: criteria provided, single submitter. Criteria: Invitae Variant Classification Sherloc (09022015). Collection method: clinical testing. Allele origin: germline.

GeneDx
Classification: Benign. Last evaluated: 2020-06-19. Review status: criteria provided, single submitter. Criteria: GeneDx Variant Classification Process June 2021. Collection method: clinical testing. Allele origin: germline. Affected: yes.

Genetic Services Laboratory, University of Chicago
Classification: Benign. Last evaluated: 2019-07-16. Review status: criteria provided, single submitter. Criteria: ACMG Guidelines, 2015. Collection method: clinical testing. Allele origin: germline. Affected: no.

Ambry Genetics
Classification: Uncertain significance for Diamond-Blackfan anemia. Last evaluated: 2014-08-26. Review status: criteria provided, single submitter. Criteria: Ambry Variant Classification Scheme 2023. Collection method: clinical testing. Allele origin: germline.
Comment: The c.357-3dupT intronic variant, results from a duplication of a T, 3 nucleotides before coding exon 5 of the RPS7 gene. This variant was not reported in population based cohorts in the following databases: Database of Single Nucleotide Polymorphisms (dbSNP), NHLBI Exome Sequencing Project (ESP), and 1000 Genomes Project. In the ESP, this variant was not observed in 6503 samples (13006 alleles) with coverage at this position. This nucleotide position is not well conserved in available vertebrate species on limited alignment. Using the BDGP and ESEfinder splice site prediction tools, this alteration is not predicted to have any significant effect on this acceptor splice site; however, direct evidence is unavailable. Since supporting evidence is limited at this time, the clinical significance of this variant remains unclear.